The following is an entry in ClinVar:

NM_006348.5(COG5):c.*437A>G

Gene: COG5 (component of oligomeric golgi complex 5; minus strand). Cytogenetic location: 7q22.3.
Variant type: single nucleotide variant.
Coding change: c.*437A>G on transcript NM_006348.5 (MANE Select); 437 bases downstream of the stop codon, A replaced by G.
Molecular consequence: 3 prime UTR variant.
Genome position (GRCh38, 1-based): chr7:107,203,079, T>C on the plus strand (A>G on the coding strand, the complement: COG5 is on the minus strand). VCF-style: chr7-107203079-T-C. GRCh37 (hg19) VCF-style: chr7-106843524-T-C.
Other names: c.*437A>G (NM_001379511.1, NM_001379512.1, NM_001379513.1 and 4 more transcripts).
Identifiers: ClinVar variation 910440 (VCV000910440.28), dbSNP rs193127052, ClinGen allele CA164177689.

ClinVar aggregate classification (germline): Conflicting classifications of pathogenicity. Review status: criteria provided, conflicting classifications (1 of 4 stars). 2 submissions from 2 submitters: Uncertain significance (1); Likely benign (1). Last evaluated 2023-04-01.

Conditions:
COG5-congenital disorder of glycosylation. Also called: CDG IIi; CONGENITAL DISORDER OF GLYCOSYLATION, TYPE IIi; COG5-CDG. Identifiers: Orphanet 263487, MedGen C3150876, MONDO:0013325, OMIM 613612.

Allele frequency attached by ClinVar (database versions not stated): 1000 Genomes Project 0.00160; 1000 Genomes Project 30x 0.00281; TOPMed 0.00495; gnomAD 0.00506; gnomAD exomes 0.00673.
gnomAD v4.1: 892 of 167,950 alleles (0.53%); highest among the groups gnomAD compares: Non-Finnish European, 0.84%; 5 homozygotes.

Submissions (2):

CeGaT Center for Human Genetics Tuebingen
Classification: Likely benign. Last evaluated: 2023-04-01. Review status: criteria provided, single submitter. Criteria: CeGaT Center For Human Genetics Tuebingen Variant Classification Criteria Version 2. Collection method: clinical testing. Allele origin: germline. Affected: yes. Observed: 2 variant alleles.
Comment: COG5: BS2

Illumina Laboratory Services, Illumina
Classification: Uncertain significance for COG5-congenital disorder of glycosylation. Last evaluated: 2018-01-13. Review status: criteria provided, single submitter. Criteria: ICSL Variant Classification Criteria 13 December 2019. Collection method: clinical testing. Allele origin: germline.